The following is an entry in ClinVar:

ClinVar aggregate classification (germline): Conflicting classifications of pathogenicity. Review status: criteria provided, conflicting classifications (1 of 4 stars). 3 submissions from 3 submitters: Uncertain significance (2); Likely benign (1). Last evaluated 2024-10-15.

Conditions:
Hereditary cancer-predisposing syndrome. Also called: Neoplastic Syndromes, Hereditary; Tumor predisposition; Hereditary Cancer Syndrome; Hereditary neoplastic syndrome. Identifiers: Orphanet 140162, MedGen C0027672, MeSH D009386, MONDO:0015356.
Hereditary breast ovarian cancer syndrome. Also called: BRCA1- and BRCA2-Associated Hereditary Breast and Ovarian Cancer; Hereditary breast and ovarian cancer syndrome; Hereditary breast and ovarian cancer; Hereditary breast and ovarian cancer syndrome (HBOC); Breast and ovarian cancer; Hereditary breast and/or ovarian cancer syndrome. Identifiers: Orphanet 145, MedGen C0677776, MeSH D061325, MONDO:0003582. Disease mechanism: loss of function.

Submissions (3):

Labcorp Genetics (formerly Invitae), Labcorp
Classification: Uncertain significance for Hereditary breast ovarian cancer syndrome. Last evaluated: 2024-10-15. Review status: criteria provided, single submitter. Criteria: Invitae Variant Classification Sherloc (09022015). Collection method: clinical testing. Allele origin: germline.
Comment: This sequence change replaces glutamic acid, which is acidic and polar, with lysine, which is basic and polar, at codon 1250 of the BRCA2 protein (p.Glu1250Lys). This variant is not present in population databases (gnomAD no frequency). This variant has not been reported in the literature in individuals affected with BRCA2-related conditions. ClinVar contains an entry for this variant (Variation ID: 230662). Invitae Evidence Modeling of protein sequence and biophysical properties (such as structural, functional, and spatial information, amino acid conservation, physicochemical variation, residue mobility, and thermodynamic stability) indicates that this missense variant is not expected to disrupt BRCA2 protein function with a negative predictive value of 95%. In summary, the available evidence is currently insufficient to determine the role of this variant in disease. Therefore, it has been classified as a Variant of Uncertain Significance.

University of Washington Department of Laboratory Medicine, University of Washington
Classification: Likely benign for Hereditary cancer-predisposing syndrome. Last evaluated: 2023-03-23. Review status: criteria provided, single submitter. Criteria: Dines et al. (Genet Med. 2020). Collection method: curation. Allele origin: germline.
Comment: Missense variant in a coldspot region where missense variants are very unlikely to be pathogenic (PMID:31911673).

BRCA2 exon 11 coldspot. Reclassification based on statistical prior probability.

Ambry Genetics
Classification: Uncertain significance for Hereditary cancer-predisposing syndrome. Last evaluated: 2015-03-03. Review status: criteria provided, single submitter. Criteria: Ambry Variant Classification Scheme 2023. Collection method: clinical testing. Allele origin: germline.
Comment: The p.E1250K variant (also known as c.3748G>A or 3976G>A), located in coding exon 10 of the BRCA2 gene, results from a G to A substitution at nucleotide position 3748. The glutamic acid at codon 1250 is replaced by lysine, an amino acid with similar properties. This variant was not reported in population based cohorts in the following databases: Database of Single Nucleotide Polymorphisms (dbSNP), NHLBI Exome Sequencing Project (ESP), and 1000 Genomes Project. In the ESP, this variant was not observed in 6502 samples (13004 alleles) with coverage at this position. To date, this alteration has been detected with an allele frequency of approximately 0.001% (greater than 105000 alleles tested) in our clinical cohort. This amino acid position is not well conserved in available vertebrate species. In addition, this alteration is predicted to be tolerated by in silico analysis. Since supporting evidence is limited at this time, the clinical significance of p.E1250K remains unclear.

NM_000059.4(BRCA2):c.3748G>A (p.Glu1250Lys)

Gene: BRCA2 (BRCA2 DNA repair associated; plus strand). Cytogenetic location: 13q13.1.
Variant type: single nucleotide variant.
Coding change: c.3748G>A on transcript NM_000059.4 (MANE Select); coding-DNA position 3748, G replaced by A.
Protein change: p.Glu1250Lys; replaces glutamic acid 1250 with lysine.
Molecular consequence: missense variant.
Genome position (GRCh38, 1-based): chr13:32,338,103, G>A. VCF-style: chr13-32338103-G-A. GRCh37 (hg19) VCF-style: chr13-32912240-G-A.
Other names: short protein forms E1250K.
Identifiers: ClinVar variation 230662 (VCV000230662.15), dbSNP rs80358615, ClinGen allele CA10579588.